The following is an entry in ClinVar:

ClinVar aggregate classification (germline): Likely pathogenic (1 of 4 stars; one submission).

Conditions:
Inborn genetic diseases. Identifiers: MedGen C0950123, MeSH D030342.

Submission:

Ambry Genetics
Classification: Likely pathogenic for Inborn genetic diseases. Last evaluated: 2025-07-28. Review status: criteria provided, single submitter. Criteria: Ambry Variant Classification Scheme 2023. Collection method: clinical testing. Allele origin: germline.
Comment: The c.3564+1G>A intronic variant results from a G to A substitution one nucleotide after coding exon 15 of the SPTBN1 gene. Alterations that disrupt the canonical splice site are expected to cause aberrant splicing, resulting in an abnormal protein or a transcript that is subject to nonsense-mediated mRNA decay. This variant was not reported in population-based cohorts in the Genome Aggregation Database (gnomAD). This nucleotide position is highly conserved in available vertebrate species. In silico splice site analysis predicts that this alteration will weaken the native splice donor site and will result in the creation or strengthening of a novel splice donor site. Based on the available evidence, this alteration is classified as likely pathogenic.

NM_003128.3(SPTBN1):c.3564+1G>A

Gene: SPTBN1 (spectrin beta, non-erythrocytic 1; plus strand). Cytogenetic location: 2p16.2.
Variant type: single nucleotide variant.
Coding change: c.3564+1G>A on transcript NM_003128.3 (MANE Select); the canonical splice donor site of the intron after coding-DNA position 3564, G replaced by A.
Molecular consequence: splice donor variant.
Genome position (GRCh38, 1-based): chr2:54,631,612, G>A. VCF-style: chr2-54631612-G-A. GRCh37 (hg19) VCF-style: chr2-54858749-G-A.
Other names: c.3525+1G>A (NM_178313.3).
Identifiers: ClinVar variation 4174298 (VCV004174298.1).